The following is an entry in ClinVar:

NM_001001331.4(ATP2B2):c.2116G>A (p.Glu706Lys)

Gene: ATP2B2 (ATPase plasma membrane Ca2+ transporting 2; minus strand). Cytogenetic location: 3p25.3.
Variant type: single nucleotide variant.
Coding change: c.2116G>A on transcript NM_001001331.4 (MANE Select); coding-DNA position 2116, G replaced by A.
Protein change: p.Glu706Lys; replaces glutamic acid 706 with lysine.
Molecular consequence: missense variant.
Genome position (GRCh38, 1-based): chr3:10,358,711, C>T on the plus strand (G>A on the coding strand, the complement: ATP2B2 is on the minus strand). VCF-style: chr3-10358711-C-T. GRCh37 (hg19) VCF-style: chr3-10400395-C-T.
Other names: c.1981G>A, p.Glu661Lys (NM_001330611.3, NM_001353564.1, NM_001363862.1 and 2 more transcripts); c.2023G>A, p.Glu675Lys (NM_001438646.1); short protein forms E661K, E706K, E675K.
Identifiers: ClinVar variation 4768719 (VCV004768719.1).

ClinVar aggregate classification (germline): Uncertain significance (1 of 4 stars; one submission).

gnomAD v4.1: 1 of 1,614,186 alleles (0.000062%); highest among the groups gnomAD compares: Non-Finnish European, 0.000085%; no homozygotes.

Submission:

Labcorp Genetics (formerly Invitae), Labcorp
Classification: Uncertain significance. Last evaluated: 2025-12-23. Review status: criteria provided, single submitter. Criteria: Invitae Variant Classification Sherloc (09022015). Collection method: clinical testing. Allele origin: germline.
Comment: This sequence change replaces glutamic acid, which is acidic and polar, with lysine, which is basic and polar, at codon 661 of the ATP2B2 protein (p.Glu661Lys). This variant is not present in population databases (gnomAD no frequency). This variant has not been reported in the literature in individuals affected with ATP2B2-related conditions. Invitae Evidence Modeling of protein sequence and biophysical properties (such as structural, functional, and spatial information, amino acid conservation, physicochemical variation, residue mobility, and thermodynamic stability) indicates that this missense variant is expected to disrupt ATP2B2 protein function with a positive predictive value of 80%. In summary, the available evidence is currently insufficient to determine the role of this variant in disease. Therefore, it has been classified as a Variant of Uncertain Significance.